The following is an entry in ClinVar:

NM_022552.5(DNMT3A):c.178-7T>G

Gene: DNMT3A (DNA methyltransferase 3 alpha; minus strand). Cytogenetic location: 2p23.3.
Variant type: single nucleotide variant.
Coding change: c.178-7T>G on transcript NM_022552.5 (MANE Select); 7 bases into the intron before coding-DNA position 178, T replaced by G.
Molecular consequence: intron variant.
Genome position (GRCh38, 1-based): chr2:25,282,718, A>C on the plus strand (T>G on the coding strand, the complement: DNMT3A is on the minus strand). VCF-style: chr2-25282718-A-C. GRCh37 (hg19) VCF-style: chr2-25505587-A-C.
Other names: c.178-7T>G (NM_175629.2, NM_175630.1, NM_001320892.2).
Identifiers: ClinVar variation 4721595 (VCV004721595.1).

ClinVar aggregate classification (germline): Uncertain significance (1 of 4 stars; one submission).

Conditions:
Tatton-Brown-Rahman overgrowth syndrome. Also called: Tall stature-intellectual disability-facial dysmorphism syndrome; Tatton-Brown-Rahman syndrome. Identifiers: Orphanet 404443, MedGen C4014545, MONDO:0014382, OMIM 615879.

gnomAD v4.1: 3 of 1,519,842 alleles (0.0002%); highest among the groups gnomAD compares: South Asian, 0.0039%; no homozygotes.

Submission:

Labcorp Genetics (formerly Invitae), Labcorp
Classification: Uncertain significance for Tatton-Brown-Rahman overgrowth syndrome. Last evaluated: 2025-06-25. Review status: criteria provided, single submitter. Criteria: Invitae Variant Classification Sherloc (09022015). Collection method: clinical testing. Allele origin: germline.
Comment: This sequence change falls in intron 3 of the DNMT3A gene. It does not directly change the encoded amino acid sequence of the DNMT3A protein. This variant is not present in population databases (gnomAD no frequency). This variant has not been reported in the literature in individuals affected with DNMT3A-related conditions. Algorithms developed to predict the effect of sequence changes on RNA splicing suggest that this variant may disrupt the consensus splice site. In summary, the available evidence is currently insufficient to determine the role of this variant in disease. Therefore, it has been classified as a Variant of Uncertain Significance.